The following is an entry in ClinVar:

ClinVar aggregate classification (germline): Uncertain significance. Review status: criteria provided, multiple submitters, no conflicts (2 of 4 stars). 3 submissions from 3 submitters: Uncertain significance (3). Last evaluated 2024-11-10.

Conditions:
Cardiovascular phenotype. Identifiers: MedGen CN230736.
Naxos disease (NXD). Also called: KERATOSIS PALMOPLANTARIS WITH ARRHYTHMOGENIC CARDIOMYOPATHY; MAL DE NAXOS; CARDIOMYOPATHY, ARRHYTHMOGENIC RIGHT VENTRICULAR, WITH SKIN, HAIR, AND NAIL ABNORMALITIES; PALMOPLANTAR KERATODERMA WITH ARRHYTHMOGENIC RIGHT VENTRICULAR CARDIOMYOPATHY AND WOOLLY HAIR; WOOLLY HAIR, PALMOPLANTAR KERATODERMA, AND CARDIAC ABNORMALITIES. Identifiers: Orphanet 34217, MedGen C1832600, MONDO:0011017, OMIM 601214.
Arrhythmogenic right ventricular dysplasia 12. Also called: ARRHYTHMOGENIC RIGHT VENTRICULAR DYSPLASIA, FAMILIAL, 12. Identifiers: MedGen C1969081, MONDO:0012684, OMIM 611528.

gnomAD v4.1: 4 of 1,613,188 alleles (0.00025%); highest among the groups gnomAD compares: Non-Finnish European, 0.00034%; no homozygotes.

Submissions (3):

Labcorp Genetics (formerly Invitae), Labcorp
Classification: Uncertain significance for Arrhythmogenic right ventricular dysplasia 12; Naxos disease. Last evaluated: 2024-11-10. Review status: criteria provided, single submitter. Criteria: Invitae Variant Classification Sherloc (09022015). Collection method: clinical testing. Allele origin: germline.
Comment: This sequence change replaces glutamine, which is neutral and polar, with arginine, which is basic and polar, at codon 134 of the JUP protein (p.Gln134Arg). This variant is not present in population databases (gnomAD no frequency). This variant has not been reported in the literature in individuals affected with JUP-related conditions. ClinVar contains an entry for this variant (Variation ID: 373265). An algorithm developed to predict the effect of missense changes on protein structure and function (PolyPhen-2) suggests that this variant is likely to be disruptive. In summary, the available evidence is currently insufficient to determine the role of this variant in disease. Therefore, it has been classified as a Variant of Uncertain Significance.

Ambry Genetics
Classification: Uncertain significance for Cardiovascular phenotype. Last evaluated: 2019-02-12. Review status: criteria provided, single submitter. Criteria: Ambry Variant Classification Scheme 2023. Collection method: clinical testing. Allele origin: germline.
Comment: The p.Q134R variant (also known as c.401A>G), located in coding exon 2 of the JUP gene, results from an A to G substitution at nucleotide position 401. The glutamine at codon 134 is replaced by arginine, an amino acid with highly similar properties. This amino acid position is highly conserved in available vertebrate species. In addition, this alteration is predicted to be deleterious by in silico analysis. Since supporting evidence is limited at this time, the clinical significance of this alteration remains unclear.

GeneDx
Classification: Uncertain significance. Last evaluated: 2016-11-18. Review status: criteria provided, single submitter. Criteria: GeneDx Variant Classification (06012015). Collection method: clinical testing. Allele origin: germline. Affected: yes.
Comment: A variant of uncertain significance has been identified in the JUP gene. The Q134R variant has not been published as a pathogenic variant, nor has it been reported as a benign variant to our knowledge. This variant was not observed in approximately 6,500 individuals of European and African American ancestry in the NHLBI Exome Sequencing Project, indicating it is not a common benign variant in these populations. The Q134R variant is a semi-conservative amino acid substitution, which may impact secondary protein structure as these residues differ in some properties. This substitution occurs at a position that is conserved across species. In silico analysis predicts this variant is probably damaging to the protein structure/function. However, based on the currently available information, it is unclear whether this variant is pathogenic or rare benign.

NM_002230.4(JUP):c.401A>G (p.Gln134Arg)

Gene: JUP (junction plakoglobin; minus strand). Cytogenetic location: 17q21.2.
Variant type: single nucleotide variant.
Coding change: c.401A>G on transcript NM_002230.4 (MANE Select); coding-DNA position 401, A replaced by G.
Protein change: p.Gln134Arg; replaces glutamine 134 with arginine.
Molecular consequence: missense variant.
Genome position (GRCh38, 1-based): chr17:41,769,485, T>C on the plus strand (A>G on the coding strand, the complement: JUP is on the minus strand). VCF-style: chr17-41769485-T-C. GRCh37 (hg19) VCF-style: chr17-39925737-T-C.
Other names: c.401A>G, p.Gln134Arg (NM_001352774.2, NM_001352775.2, NM_001352773.2 and 3 more transcripts); short protein forms Q134R.
Identifiers: ClinVar variation 373265 (VCV000373265.4), dbSNP rs1057518313, ClinGen allele CA16043116.